The following is an entry in ClinVar:

ClinVar aggregate classification (germline): Likely benign. Review status: criteria provided, multiple submitters, no conflicts (2 of 4 stars). 3 submissions from 3 submitters: Likely benign (3). Last evaluated 2025-07-08.

Conditions:
EYS-related disorder. Also called: EYS-related condition.

Allele frequency attached by ClinVar (database versions not stated): gnomAD 0.00001; TOPMed 0.00002.
gnomAD v4.1: 44 of 1,551,336 alleles (0.0028%); highest among the groups gnomAD compares: Non-Finnish European, 0.0037%; no homozygotes.

Submissions (3):

Labcorp Genetics (formerly Invitae), Labcorp
Classification: Likely benign. Last evaluated: 2025-07-08. Review status: criteria provided, single submitter. Criteria: Invitae Variant Classification Sherloc (09022015). Collection method: clinical testing. Allele origin: germline.

PreventionGenetics, part of Exact Sciences
Classification: Likely benign for EYS-related condition. Last evaluated: 2025-04-08. Review status: criteria provided, single submitter. Criteria: ACMG Guidelines, 2015. Collection method: clinical testing. Allele origin: germline.
Comment: This variant is classified as likely benign based on ACMG/AMP sequence variant interpretation guidelines (Richards et al. 2015 PMID: 25741868, with internal and published modifications).

Blueprint Genetics
Classification: Likely benign. Last evaluated: 2022-06-10. Review status: criteria provided, single submitter. Criteria: ACMG Guidelines, 2015. Collection method: clinical testing. Allele origin: germline.

NM_001142800.2(EYS):c.5433T>C (p.Ser1811=)

Gene: EYS (EGF-like photoreceptor maintenance factor; minus strand). Cytogenetic location: 6q12.
Variant type: single nucleotide variant.
Coding change: c.5433T>C on transcript NM_001142800.2 (MANE Select); coding-DNA position 5433, T replaced by C.
Protein change: p.Ser1811=; no amino-acid change (serine 1811 retained).
Molecular consequence: synonymous variant.
Genome position (GRCh38, 1-based): chr6:64,590,434, A>G on the plus strand (T>C on the coding strand, the complement: EYS is on the minus strand). VCF-style: chr6-64590434-A-G. GRCh37 (hg19) VCF-style: chr6-65300327-A-G.
Other names: c.5433T>C, p.Ser1811= (NM_001292009.2); c.5433T>C (NM_001142800.1).
Identifiers: ClinVar variation 1103969 (VCV001103969.11), dbSNP rs1451969697, ClinGen allele CA450862777.